The following is an entry in ClinVar:

ClinVar aggregate classification (germline): Uncertain significance (1 of 4 stars; one submission).

Conditions:
Spondyloepimetaphyseal dysplasia with joint laxity (SEMDJL). Identifiers: MedGen C0432243, MONDO:0019675.
Ehlers-Danlos syndrome, spondylodysplastic type, 2 (EDSSPD2). Also called: Ehlers-Danlos syndrome, progeroid type, 2. Identifiers: Orphanet 536467, Orphanet 75496, MedGen C3809210, MONDO:0014139, OMIM 615349.

Allele frequency attached by ClinVar (database versions not stated): ExAC 0.00003; gnomAD 0.00001; gnomAD exomes below 0.00001 and 0.00003.

Submission:

Labcorp Genetics (formerly Invitae), Labcorp
Classification: Uncertain significance for Ehlers-Danlos syndrome, spondylodysplastic type, 2; Spondyloepimetaphyseal dysplasia with joint laxity. Last evaluated: 2025-03-17. Review status: criteria provided, single submitter. Criteria: Invitae Variant Classification Sherloc (09022015). Collection method: clinical testing. Allele origin: germline.
Comment: This sequence change replaces arginine, which is basic and polar, with cysteine, which is neutral and slightly polar, at codon 171 of the B3GALT6 protein (p.Arg171Cys). The frequency data for this variant in the population databases is considered unreliable, as metrics indicate poor data quality at this position in the gnomAD database. This missense change has been observed in individuals with B3GALT6-related conditions (PMID: 28229453, 29230159; internal data). It has also been observed to segregate with disease in related individuals. ClinVar contains an entry for this variant (Variation ID: 1363546). Invitae Evidence Modeling of protein sequence and biophysical properties (such as structural, functional, and spatial information, amino acid conservation, physicochemical variation, residue mobility, and thermodynamic stability) has been performed for this missense variant. However, the output from this modeling did not meet the statistical confidence thresholds required to predict the impact of this variant on B3GALT6 protein function. In summary, the available evidence is currently insufficient to determine the role of this variant in disease. Therefore, it has been classified as a Variant of Uncertain Significance.

Literature cited by the submitters: PubMed 28229453; PubMed 29230159.

NM_080605.4(B3GALT6):c.511C>T (p.Arg171Cys)

Gene: B3GALT6 (beta-1,3-galactosyltransferase 6; plus strand). Cytogenetic location: 1p36.33.
Variant type: single nucleotide variant.
Coding change: c.511C>T on transcript NM_080605.4 (MANE Select); coding-DNA position 511, C replaced by T.
Protein change: p.Arg171Cys; replaces arginine 171 with cysteine.
Molecular consequence: missense variant.
Genome position (GRCh38, 1-based): chr1:1,232,789, C>T. VCF-style: chr1-1232789-C-T. GRCh37 (hg19) VCF-style: chr1-1168169-C-T.
Other names: short protein forms R171C.
Identifiers: ClinVar variation 1363546 (VCV001363546.6), dbSNP rs765337103, ClinGen allele CA513366.